The following is an entry in ClinVar:

NM_001080442.3(SLC38A8):c.1278C>T (p.Ser426=)

Gene: SLC38A8 (solute carrier family 38 member 8; minus strand). Cytogenetic location: 16q23.3.
Variant type: single nucleotide variant.
Coding change: c.1278C>T on transcript NM_001080442.3 (MANE Select); coding-DNA position 1278, C replaced by T.
Protein change: p.Ser426=; no amino-acid change (serine 426 retained).
Molecular consequence: synonymous variant.
Genome position (GRCh38, 1-based): chr16:84,009,814, G>A on the plus strand (C>T on the coding strand, the complement: SLC38A8 is on the minus strand). VCF-style: chr16-84009814-G-A. GRCh37 (hg19) VCF-style: chr16-84043419-G-A.
Other names: c.1278C>T (NM_001080442.2).
Identifiers: ClinVar variation 2893155 (VCV002893155.4), dbSNP rs778602390, ClinGen allele CA8199623.

ClinVar aggregate classification (germline): Likely benign. Review status: criteria provided, multiple submitters, no conflicts (2 of 4 stars). 2 submissions from 2 submitters: Likely benign (2). Last evaluated 2025-10-07.

Conditions:
SLC38A8-related disorder. Also called: SLC38A8-related condition.

Allele frequency attached by ClinVar (database versions not stated): gnomAD exomes 0.00001; ExAC 0.00002.
gnomAD v4.1: 15 of 1,614,032 alleles (0.00093%); highest among the groups gnomAD compares: East Asian, 0.0022%; no homozygotes.

Submissions (2):

PreventionGenetics, part of Exact Sciences
Classification: Likely benign for SLC38A8-related condition. Last evaluated: 2025-10-07. Review status: criteria provided, single submitter. Criteria: ACMG Guidelines, 2015. Collection method: clinical testing. Allele origin: germline.
Comment: This variant is classified as likely benign based on ACMG/AMP sequence variant interpretation guidelines (Richards et al. 2015 PMID: 25741868, with internal and published modifications).

Labcorp Genetics (formerly Invitae), Labcorp
Classification: Likely benign. Last evaluated: 2023-06-04. Review status: criteria provided, single submitter. Criteria: Invitae Variant Classification Sherloc (09022015). Collection method: clinical testing. Allele origin: germline.